The following is an entry in ClinVar:

ClinVar aggregate classification (germline): Conflicting classifications of pathogenicity. Review status: criteria provided, conflicting classifications (1 of 4 stars). 4 submissions from 4 submitters: Uncertain significance (1); Likely benign (3). Last evaluated 2024-11-19.

Conditions:
Familial thoracic aortic aneurysm and aortic dissection (TAAD). Also called: Thoracic aortic aneurysms and dissections. Identifiers: Orphanet 91387, MedGen C4707243, MONDO:0019625.
Ehlers-Danlos syndrome, type 4 (EDSVASC). Also called: Ehlers-Danlos syndrome vascular type; Ehlers Danlos syndrome, ecchymotic type; Ehlers Danlos syndrome, arterial type; Ehlers Danlos syndrome, Sack-Barabas type; Ehlers-Danlos Syndrome Type IV. Identifiers: Orphanet 286, MedGen C0268338, MONDO:0017314, OMIM 130050.

Allele frequency attached by ClinVar (database versions not stated): gnomAD exomes 0.00001; TOPMed 0.00001; ExAC 0.00002.
gnomAD v4.1: 9 of 1,613,972 alleles (0.00056%); highest among the groups gnomAD compares: Admixed American, 0.0017%; no homozygotes.

Submissions (4):

Labcorp Genetics (formerly Invitae), Labcorp
Classification: Likely benign for Ehlers-Danlos syndrome, type 4. Last evaluated: 2024-11-19. Review status: criteria provided, single submitter. Criteria: Invitae Variant Classification Sherloc (09022015). Collection method: clinical testing. Allele origin: germline.

GeneDx
Classification: Uncertain significance. Last evaluated: 2023-12-06. Review status: criteria provided, single submitter. Criteria: GeneDx Variant Classification Process June 2021. Collection method: clinical testing. Allele origin: germline. Affected: yes.
Comment: Has not been previously published as pathogenic or benign to our knowledge; Not observed at significant frequency in large population cohorts (gnomAD); In silico analysis supports a deleterious effect on splicing

All of Us Research Program, National Institutes of Health
Classification: Likely benign for Ehlers-Danlos syndrome, type 4. Last evaluated: 2023-08-28. Review status: criteria provided, single submitter. Criteria: ACMG Guidelines, 2015. Collection method: clinical testing. Allele origin: germline. Inheritance: Autosomal dominant inheritance. Observed: 1 variant allele, 1 heterozygote.
Comment: This study involves interpretation of variants in research participants for the purpose of population health screening. Participant phenotype was not available at the time of variant classification. Additional details can be found in publication PMID: 35346344, PMCID: PMC8962531

Color Diagnostics, LLC DBA Color Health
Classification: Likely benign for Familial thoracic aortic aneurysm and aortic dissection. Last evaluated: 2022-09-23. Review status: criteria provided, single submitter. Criteria: ACMG Guidelines, 2015. Collection method: clinical testing. Allele origin: germline.

NM_000090.4(COL3A1):c.4257A>G (p.Lys1419=)

Gene: COL3A1 (collagen type III alpha 1 chain; plus strand). Cytogenetic location: 2q32.2.
Variant type: single nucleotide variant.
Coding change: c.4257A>G on transcript NM_000090.4 (MANE Select); coding-DNA position 4257, A replaced by G.
Protein change: p.Lys1419=; no amino-acid change (lysine 1419 retained).
Molecular consequence: synonymous variant.
Genome position (GRCh38, 1-based): chr2:189,011,630, A>G. VCF-style: chr2-189011630-A-G. GRCh37 (hg19) VCF-style: chr2-189876356-A-G.
Identifiers: ClinVar variation 662815 (VCV000662815.11), dbSNP rs754723643, ClinGen allele CA076542.